The following is an entry in ClinVar:

ClinVar aggregate classification (germline): Uncertain significance. Review status: criteria provided, multiple submitters, no conflicts (2 of 4 stars). 2 submissions from 2 submitters: Uncertain significance (2). Last evaluated 2024-06-10.

Conditions:
Hereditary cancer-predisposing syndrome. Also called: Hereditary Cancer Syndrome; Hereditary neoplastic syndrome; Neoplastic Syndromes, Hereditary; Tumor predisposition. Identifiers: Orphanet 140162, MedGen C0027672, MeSH D009386, MONDO:0015356.

Allele frequency attached by ClinVar (database versions not stated): gnomAD exomes below 0.00001; gnomAD 0.00001.
gnomAD v4.1: 2 of 1,614,104 alleles (0.00012%); highest among the groups gnomAD compares: African/African-American, 0.0013%; no homozygotes.

Submissions (2):

Labcorp Genetics (formerly Invitae), Labcorp
Classification: Uncertain significance. Last evaluated: 2024-06-10. Review status: criteria provided, single submitter. Criteria: Invitae Variant Classification Sherloc (09022015). Collection method: clinical testing. Allele origin: germline.
Comment: This sequence change replaces asparagine, which is neutral and polar, with serine, which is neutral and polar, at codon 870 of the POLE protein (p.Asn870Ser). This variant is not present in population databases (gnomAD no frequency). This variant has not been reported in the literature in individuals affected with POLE-related conditions. ClinVar contains an entry for this variant (Variation ID: 405862). Advanced modeling of protein sequence and biophysical properties (such as structural, functional, and spatial information, amino acid conservation, physicochemical variation, residue mobility, and thermodynamic stability) performed at Invitae indicates that this missense variant is not expected to disrupt POLE protein function with a negative predictive value of 80%. In summary, the available evidence is currently insufficient to determine the role of this variant in disease. Therefore, it has been classified as a Variant of Uncertain Significance.

Ambry Genetics
Classification: Uncertain significance for Hereditary cancer-predisposing syndrome. Last evaluated: 2022-09-26. Review status: criteria provided, single submitter. Criteria: Ambry Variant Classification Scheme 2023. Collection method: clinical testing. Allele origin: germline.
Comment: The p.N870S variant (also known as c.2609A>G), located in coding exon 23 of the POLE gene, results from an A to G substitution at nucleotide position 2609. The asparagine at codon 870 is replaced by serine, an amino acid with highly similar properties. This amino acid position is conserved. In addition, this alteration is predicted to be tolerated by in silico analysis. Since supporting evidence is limited at this time, the clinical significance of this alteration remains unclear.

NM_006231.4(POLE):c.2609A>G (p.Asn870Ser)

Gene: POLE (DNA polymerase epsilon, catalytic subunit; minus strand). Cytogenetic location: 12q24.33.
Variant type: single nucleotide variant.
Coding change: c.2609A>G on transcript NM_006231.4 (MANE Select); coding-DNA position 2609, A replaced by G.
Protein change: p.Asn870Ser; replaces asparagine 870 with serine.
Molecular consequence: missense variant.
Genome position (GRCh38, 1-based): chr12:132,664,101, T>C on the plus strand (A>G on the coding strand, the complement: POLE is on the minus strand). VCF-style: chr12-132664101-T-C. GRCh37 (hg19) VCF-style: chr12-133240687-T-C.
Other names: short protein forms N870S.
Identifiers: ClinVar variation 405862 (VCV000405862.14), dbSNP rs1060500875, ClinGen allele CA16613845.